The following is an entry in ClinVar:

NM_000295.5(SERPINA1):c.552C>T (p.Tyr184=)

Gene: SERPINA1 (serpin family A member 1; minus strand). Cytogenetic location: 14q32.13.
Variant type: single nucleotide variant.
Coding change: c.552C>T on transcript NM_000295.5 (MANE Select); coding-DNA position 552, C replaced by T.
Protein change: p.Tyr184=; no amino-acid change (tyrosine 184 retained).
Molecular consequence: synonymous variant.
Genome position (GRCh38, 1-based): chr14:94,382,686, G>A on the plus strand (C>T on the coding strand, the complement: SERPINA1 is on the minus strand). VCF-style: chr14-94382686-G-A. GRCh37 (hg19) VCF-style: chr14-94849023-G-A.
Other names: c.552C>T, p.Tyr184= (NM_001002235.3, NM_001002236.3, NM_001127700.2 and 7 more transcripts).
Identifiers: ClinVar variation 290979 (VCV000290979.22), dbSNP rs199422210, ClinGen allele CA7327472.
Genomic context (GRCh38, chr14:94,382,686, plus strand): 5'-TGTGTCTCTGTCAAGCTCCTTGACCAAATCCACAATTTTCCCTTGAGTACCCTTCTCCAC[G>A]TAATCGTTGATCTGTTTCTTGGCCTCTTCGGTGTCCCCGAAGTTGACAGTGAAGGCTTCT-3'
Protein context (NP_000286.3, residues 174-194): TEEAKKQIND[Tyr184=]VEKGTQGKIV

ClinVar aggregate classification (germline): Conflicting classifications of pathogenicity. Review status: criteria provided, conflicting classifications (1 of 4 stars). 5 submissions from 5 submitters: Uncertain significance (2); Likely benign (2). 1 of the submissions does not count toward it. Last evaluated 2025-07-05.

Conditions:
SERPINA1-related disorder. Also called: SERPINA1-related condition; SerpinA1-related disorders.
Inborn genetic diseases. Identifiers: MedGen C0950123, MeSH D030342.
Alpha-1-antitrypsin deficiency (A1ATD). Also called: AAT deficiency; A1AT deficiency; Alpha1-Antitrypsin Deficiency. Identifiers: Orphanet 60, MedGen C0221757, MONDO:0013282, OMIM 613490.

Allele frequency attached by ClinVar (database versions not stated): TOPMed 0.00011.
gnomAD v4.1: 166 of 1,614,084 alleles (0.01%); highest among the groups gnomAD compares: Admixed American, 0.017%; no homozygotes.

Submissions (5):

Labcorp Genetics (formerly Invitae), Labcorp
Classification: Likely benign for Alpha-1-antitrypsin deficiency. Last evaluated: 2025-07-05. Review status: criteria provided, single submitter. Criteria: Invitae Variant Classification Sherloc (09022015). Collection method: clinical testing. Allele origin: germline.

Ambry Genetics
Classification: Likely benign for Inborn genetic diseases. Last evaluated: 2024-01-30. Review status: criteria provided, single submitter. Criteria: Ambry Variant Classification Scheme 2023. Collection method: clinical testing. Allele origin: germline.

Illumina Laboratory Services, Illumina
Classification: Uncertain significance for Alpha-1-antitrypsin deficiency. Last evaluated: 2017-04-27. Review status: criteria provided, single submitter. Criteria: ICSL Variant Classification Criteria 13 December 2019. Collection method: clinical testing. Allele origin: germline.

Eurofins Ntd Llc (ga)
Classification: Uncertain significance. Last evaluated: 2016-08-25. Review status: criteria provided, single submitter. Criteria: EGL Classification Definitions 2015. Collection method: clinical testing. Allele origin: germline. Observed: 1 variant allele, 1 heterozygote.

PreventionGenetics, part of Exact Sciences
Classification: Likely benign for SERPINA1-related condition. Last evaluated: 2021-11-17. Review status: no assertion criteria provided. Collection method: clinical testing. Allele origin: germline. Not counted in ClinVar's aggregate classification.
Comment: This variant is classified as likely benign based on ACMG/AMP sequence variant interpretation guidelines (Richards et al. 2015 PMID: 25741868, with internal and published modifications).